The following is an entry in ClinVar:

NM_000138.5(FBN1):c.6862G>A (p.Gly2288Ser)

Gene: FBN1 (fibrillin 1; minus strand). Cytogenetic location: 15q21.1.
Variant type: single nucleotide variant.
Coding change: c.6862G>A on transcript NM_000138.5 (MANE Select); coding-DNA position 6862, G replaced by A.
Protein change: p.Gly2288Ser; replaces glycine 2288 with serine.
Molecular consequence: missense variant.
Genome position (GRCh38, 1-based): chr15:48,430,680, C>T on the plus strand (G>A on the coding strand, the complement: FBN1 is on the minus strand). VCF-style: chr15-48430680-C-T. GRCh37 (hg19) VCF-style: chr15-48722877-C-T.
Other names: c.6862G>A, p.Gly2288Ser (NM_001406716.1); short protein forms G2288S.
Identifiers: ClinVar variation 1920103 (VCV001920103.5), dbSNP rs2505419791, ClinGen allele CA392331910.

ClinVar aggregate classification (germline): Uncertain significance (1 of 4 stars; one submission).

Conditions:
Familial thoracic aortic aneurysm and aortic dissection (TAAD). Also called: Thoracic aortic aneurysms and dissections. Identifiers: Orphanet 91387, MedGen C4707243, MONDO:0019625.
Marfan syndrome (MFS). Also called: MARFAN SYNDROME, TYPE I; Marfan syndrome type 1; Marfan's syndrome; Marfan syndrome, classic; FBN1-Related Marfan Syndrome. Identifiers: Orphanet 284963, Orphanet 558, MedGen C0024796, MONDO:0007947, OMIM 154700.

Submission:

Labcorp Genetics (formerly Invitae), Labcorp
Classification: Uncertain significance for Marfan syndrome; Familial thoracic aortic aneurysm and aortic dissection. Last evaluated: 2022-06-23. Review status: criteria provided, single submitter. Criteria: Invitae Variant Classification Sherloc (09022015). Collection method: clinical testing. Allele origin: germline.
Comment: In summary, the available evidence is currently insufficient to determine the role of this variant in disease. Therefore, it has been classified as a Variant of Uncertain Significance. Algorithms developed to predict the effect of missense changes on protein structure and function output the following: SIFT: "Deleterious"; PolyPhen-2: "Possibly Damaging"; Align-GVGD: "Class C0". The serine amino acid residue is found in multiple mammalian species, which suggests that this missense change does not adversely affect protein function. This variant has not been reported in the literature in individuals affected with FBN1-related conditions. This variant is not present in population databases (gnomAD no frequency). This sequence change replaces glycine, which is neutral and non-polar, with serine, which is neutral and polar, at codon 2288 of the FBN1 protein (p.Gly2288Ser).